The following is an entry in ClinVar:

ClinVar aggregate classification (germline): Uncertain significance (1 of 4 stars; one submission).

Conditions:
Inborn genetic diseases. Identifiers: MedGen C0950123, MeSH D030342.

Submission:

Ambry Genetics
Classification: Uncertain significance for Inborn genetic diseases. Last evaluated: 2025-12-07. Review status: criteria provided, single submitter. Criteria: Ambry Variant Classification Scheme 2023. Collection method: clinical testing. Allele origin: germline.
Comment: The c.142G>A (p.A48T) alteration is located in exon 4 (coding exon 2) of the TBL1XR1 gene. This alteration results from a G to A substitution at nucleotide position 142, causing the alanine (A) at amino acid position 48 to be replaced by a threonine (T). This variant was not reported in population-based cohorts in the Genome Aggregation Database (gnomAD). This amino acid position is highly conserved in available vertebrate species. This missense alteration is located in a region that has a low rate of benign missense variation (Lek, 2016; Firth, 2009). The in silico prediction for this alteration is inconclusive. Based on insufficient or conflicting evidence, the clinical significance of this alteration remains unclear.

NM_024665.7(TBL1XR1):c.142G>A (p.Ala48Thr)

Gene: TBL1XR1 (TBL1X/Y related 1; minus strand). Cytogenetic location: 3q26.32.
Variant type: single nucleotide variant.
Coding change: c.142G>A on transcript NM_024665.7 (MANE Select); coding-DNA position 142, G replaced by A.
Protein change: p.Ala48Thr; replaces alanine 48 with threonine.
Molecular consequence: missense variant. On other transcripts: 5 prime UTR variant (2).
Genome position (GRCh38, 1-based): chr3:177,053,835, C>T on the plus strand (G>A on the coding strand, the complement: TBL1XR1 is on the minus strand). VCF-style: chr3-177053835-C-T. GRCh37 (hg19) VCF-style: chr3-176771623-C-T.
Other names: c.142G>A, p.Ala48Thr (NM_001321193.3, NM_001321194.3, NM_001374327.1 and 2 more transcripts); c.-120G>A (NM_001321195.3, NM_001374330.1); short protein forms A48T.
Identifiers: ClinVar variation 4632769 (VCV004632769.1).